The following is an entry in ClinVar:

ClinVar aggregate classification (germline): Benign/Likely benign. Review status: criteria provided, multiple submitters, no conflicts (2 of 4 stars). 13 submissions from 12 submitters: Benign (9); Likely benign (2). 2 of the submissions do not count toward it. Last evaluated 2026-02-04.

Conditions:
Euthyroid goiter (MNG1). Also called: Goiter, multinodular 1, with or without Sertoli-Leydig cell tumors; SIMPLE GOITER; GOITER, NONTOXIC, WITH INTRATHYROIDAL CALCIFICATION; MULTINODULAR GOITER, ADOLESCENT. Identifiers: Orphanet 276399, MedGen C0302859, MONDO:0007681, OMIM 138800, HP:0009798.
Pleuropulmonary blastoma (PPB). Identifiers: Orphanet 64742, MedGen C1266144, MONDO:0011014, OMIM 601200, HP:0100528.
Rhabdomyosarcoma, embryonal, 2 (RMSE2). Identifiers: MedGen C1867234, MONDO:0859046, OMIM 180295.
Global developmental delay - lung cysts - overgrowth - Wilms tumor syndrome. Also called: GLOBAL DEVELOPMENTAL DELAY, LUNG CYSTS, OVERGROWTH, AND WILMS TUMOR; GLOW Syndrome. Identifiers: Orphanet 404476, MedGen C4748924, MONDO:0018445, OMIM 618272.
DICER1-related tumor predisposition. Also called: DICER1-related pleuropulmonary blastoma cancer predisposition syndrome; DICER1 syndrome. Identifiers: Orphanet 284343, MedGen C3839822, MONDO:0100216.

Allele frequency attached by ClinVar (database versions not stated): ExAC 0.03939; gnomAD 0.25695 and 0.26377; gnomAD exomes 0.46692; 1000 Genomes Project 0.87001.

Submissions (13):

Labcorp Genetics (formerly Invitae), Labcorp
Classification: Benign for DICER1-related tumor predisposition. Last evaluated: 2026-02-04. Review status: criteria provided, single submitter. Criteria: Invitae Variant Classification Sherloc (09022015). Collection method: clinical testing. Allele origin: germline.

Center for Genomic Medicine, Rigshospitalet, Copenhagen University Hospital
Classification: Likely benign. Last evaluated: 2025-03-04. Review status: criteria provided, single submitter. Criteria: ACMG Guidelines, 2015. Collection method: clinical testing. Allele origin: germline.

Blueprint Genetics
Classification: Likely benign. Last evaluated: 2024-11-27. Review status: criteria provided, single submitter. Criteria: ACMG Guidelines, 2015. Collection method: clinical testing. Allele origin: germline.

KCCC/NGS Laboratory, Kuwait Cancer Control Center
Classification: Benign for Pleuropulmonary blastoma. Last evaluated: 2023-07-07. Review status: criteria provided, single submitter. Criteria: ACMG Guidelines, 2015. Collection method: clinical testing. Allele origin: germline. Affected: yes.

Department of Pathology and Laboratory Medicine, Sinai Health System
Classification: Benign for Euthyroid goiter; Rhabdomyosarcoma, embryonal, 2; Pleuropulmonary blastoma; Global developmental delay - lung cysts - overgrowth - Wilms tumor syndrome. Last evaluated: 2022-02-23. Review status: criteria provided, single submitter. Criteria: ACMG Guidelines, 2015. Collection method: clinical testing. Allele origin: germline. Affected: yes.

Genome-Nilou Lab
Classification: Benign for Euthyroid goiter. Last evaluated: 2021-07-30. Review status: criteria provided, single submitter. Criteria: ACMG Guidelines, 2015. Collection method: clinical testing. Allele origin: germline. Affected: no.

Genome-Nilou Lab
Classification: Benign for Pleuropulmonary blastoma. Last evaluated: 2021-07-30. Review status: criteria provided, single submitter. Criteria: ACMG Guidelines, 2015. Collection method: clinical testing. Allele origin: germline. Affected: no.

Mayo Clinic Laboratories, Mayo Clinic
Classification: Benign. Last evaluated: 2021-06-22. Review status: criteria provided, single submitter. Criteria: ACMG Guidelines, 2015. Collection method: clinical testing. Allele origin: germline. Observed: 45 variant alleles.

PreventionGenetics, part of Exact Sciences
Classification: Benign. Last evaluated: 2019-03-27. Review status: criteria provided, single submitter. Criteria: ACMG Guidelines, 2015. Collection method: clinical testing. Allele origin: germline.

Illumina Laboratory Services, Illumina
Classification: Benign for Pleuropulmonary blastoma. Last evaluated: 2018-01-12. Review status: criteria provided, single submitter. Criteria: ICSL Variant Classification Criteria 13 December 2019. Collection method: clinical testing. Allele origin: germline.
Comment: This variant was observed in the ICSL laboratory as part of a predisposition screen in an ostensibly healthy population. It had not been previously curated by ICSL or reported in the Human Gene Mutation Database (HGMD: prior to June 1st, 2018), and was therefore a candidate for classification through an automated scoring system. Utilizing variant allele frequency, disease prevalence and penetrance estimates, and inheritance mode, an automated score was calculated to assess if this variant is too frequent to cause the disease. Based on the score and internal cut-off values, a variant classified as benign is not then subjected to further curation. The score for this variant resulted in a classification of benign for this disease.

Breakthrough Genomics
Classification: Benign. Review status: criteria provided, single submitter. Criteria: ACMG Guidelines, 2015. Collection method: not provided. Allele origin: germline. Inheritance: Autosomal dominant inheritance. Affected: yes.

Clinical Genetics DNA and cytogenetics Diagnostics Lab, Erasmus MC, Erasmus Medical Center
Classification: Benign. Review status: no assertion criteria provided. Collection method: clinical testing. Allele origin: germline. Affected: yes. Study: VKGL Data-share Consensus. Not counted in ClinVar's aggregate classification.

Joint Genome Diagnostic Labs from Nijmegen and Maastricht, Radboudumc and MUMC+
Classification: Benign. Review status: no assertion criteria provided. Collection method: clinical testing. Allele origin: germline. Affected: yes. Study: VKGL Data-share Consensus. Not counted in ClinVar's aggregate classification.

NM_177438.3(DICER1):c.4206+9G>T

Gene: DICER1 (dicer 1, ribonuclease III; minus strand). Cytogenetic location: 14q32.13.
Variant type: single nucleotide variant.
Coding change: c.4206+9G>T on transcript NM_177438.3 (MANE Select); 9 bases into the intron after coding-DNA position 4206, G replaced by T.
Molecular consequence: intron variant.
Genome position (GRCh38, 1-based): chr14:95,099,771, C>A on the plus strand (G>T on the coding strand, the complement: DICER1 is on the minus strand). VCF-style: chr14-95099771-C-A. GRCh37 (hg19) VCF-style: chr14-95566108-C-A.
Other names: p.?; c.4206+9G>T (NM_001291628.2, NM_030621.4, NM_001271282.3 and 1 more transcripts).
Identifiers: ClinVar variation 315105 (VCV000315105.34), dbSNP rs1778057, ClinGen allele CA7330925.